The following is an entry in ClinVar:

NM_020831.6(MRTFA):c.2717G>C (p.Gly906Ala)

Gene: MRTFA (myocardin related transcription factor A; minus strand). Cytogenetic location: 22q13.1.
Variant type: single nucleotide variant.
Coding change: c.2717G>C on transcript NM_020831.6 (MANE Select); coding-DNA position 2717, G replaced by C.
Protein change: p.Gly906Ala; replaces glycine 906 with alanine.
Molecular consequence: missense variant. On other transcripts: 3 prime UTR variant (1).
Genome position (GRCh38, 1-based): chr22:40,411,769, C>G on the plus strand (G>C on the coding strand, the complement: MRTFA is on the minus strand). VCF-style: chr22-40411769-C-G. GRCh37 (hg19) VCF-style: chr22-40807773-C-G.
Other names: c.2417G>C, p.Gly806Ala (NM_001282660.2); c.2567G>C, p.Gly856Ala (NM_001282661.3); c.*30G>C (NM_001282662.3); c.2522G>C, p.Gly841Ala (NM_001318139.2); short protein forms G906A, G841A, G856A, G806A.
Identifiers: ClinVar variation 2869285 (VCV002869285.3), dbSNP rs757282590, ClinGen allele CA10249228.

ClinVar aggregate classification (germline): Uncertain significance (1 of 4 stars; one submission).

Allele frequency attached by ClinVar (database versions not stated): gnomAD exomes 0.00001; ExAC 0.00001.
gnomAD v4.1: 8 of 1,535,820 alleles (0.00052%); highest among the groups gnomAD compares: Non-Finnish European, 0.0007%; no homozygotes.

Submission:

Labcorp Genetics (formerly Invitae), Labcorp
Classification: Uncertain significance. Last evaluated: 2026-01-13. Review status: criteria provided, single submitter. Criteria: Invitae Variant Classification Sherloc (09022015). Collection method: clinical testing. Allele origin: germline.
Comment: This sequence change replaces glycine, which is neutral and non-polar, with alanine, which is neutral and non-polar, at codon 806 of the MKL1 protein (p.Gly806Ala). This variant is present in population databases (rs757282590, gnomAD 0.001%). This variant has not been reported in the literature in individuals affected with MKL1-related conditions. ClinVar contains an entry for this variant (Variation ID: 2869285). An algorithm developed to predict the effect of missense changes on protein structure and function outputs the following: PolyPhen-2: "Benign". The alanine amino acid residue is found in multiple mammalian species, which suggests that this missense change does not adversely affect protein function. In summary, the available evidence is currently insufficient to determine the role of this variant in disease. Therefore, it has been classified as a Variant of Uncertain Significance.